The following is an entry in ClinVar:

ClinVar aggregate classification (germline): Uncertain significance (1 of 4 stars; one submission).

Conditions:
Developmental and epileptic encephalopathy. Identifiers: MedGen C5779964, MONDO:0100620.

Submission:

Labcorp Genetics (formerly Invitae), Labcorp
Classification: Uncertain significance for Early-infantile DEE. Last evaluated: 2017-07-10. Review status: criteria provided, single submitter. Criteria: Invitae Variant Classification Sherloc (09022015). Collection method: clinical testing. Allele origin: unknown.
Comment: In summary, the available evidence is currently insufficient to determine the role of this variant in disease. Therefore, it has been classified as a Variant of Uncertain Significance. Similar copy number gains have not been reported in the literature in individuals with HCN1-related disease. This copy number variant is a gain (6 copies) of the genomic region encompassing exon 8 of the HCN1 gene. While the exact position of the duplicated exons cannot be determined from this data, the duplicated copies of this region are likely in tandem and in-frame, therefore preserving the integrity of the reading frame.

NC_000005.9:g.(?_45262003)_(45262932_?)dup

Gene: HCN1 (hyperpolarization activated cyclic nucleotide gated potassium channel 1; minus strand). Cytogenetic location: 5p12.
Variant type: Duplication.
Identifiers: ClinVar variation 3246308 (VCV003246308.1).